The following is an entry in ClinVar:

NM_004006.3(DMD):c.5449-1G>C

Gene: DMD (dystrophin; minus strand). Cytogenetic location: Xp21.1.
Variant type: single nucleotide variant.
Coding change: c.5449-1G>C on transcript NM_004006.3 (MANE Select); the canonical splice acceptor site of the intron before coding-DNA position 5449, G replaced by C.
Molecular consequence: splice acceptor variant.
Genome position (GRCh38, 1-based): chrX:32,346,081, C>G on the plus strand (G>C on the coding strand, the complement: DMD is on the minus strand). VCF-style: chrX-32346081-C-G. GRCh37 (hg19) VCF-style: chrX-32364198-C-G.
Other names: c.5425-1G>C (NM_000109.4); c.1426-1G>C (NM_004011.4); c.1417-1G>C (NM_004012.4); c.5437-1G>C (NM_004009.3); c.5080-1G>C (NM_004010.3).
Identifiers: ClinVar variation 1322451 (VCV001322451.9), dbSNP rs2147033447, ClinGen allele CA412667517.
Genomic context (GRCh38, chrX:32,346,081, plus strand): 5'-TTGTTGTAAGTTGTCTCCTCTTTGCAACAATTCTTTTACAGTACCCTCATTGTCTTCATT[C>G]TGATCAAAAACAACAAGTACAGTCTTCATTTTGGTTTTTAAAAAGCTGTACATTGTTAAC-3'

ClinVar aggregate classification (germline): Pathogenic (1 of 4 stars; one submission).

Conditions:
Duchenne muscular dystrophy (DMD). Also called: MUSCULAR DYSTROPHY, PSEUDOHYPERTROPHIC PROGRESSIVE, DUCHENNE TYPE; Duchenne Muscular Dystrophy (DMD). Identifiers: Orphanet 98896, MedGen C0013264, MONDO:0010679, OMIM 310200.

Submission:

Labcorp Genetics (formerly Invitae), Labcorp
Classification: Pathogenic for Duchenne muscular dystrophy. Last evaluated: 2025-03-31. Review status: criteria provided, single submitter. Criteria: Invitae Variant Classification Sherloc (09022015). Collection method: clinical testing. Allele origin: germline.
Comment: This sequence change affects an acceptor splice site in intron 38 of the DMD gene. It is expected to disrupt RNA splicing. Variants that disrupt the donor or acceptor splice site typically lead to a loss of protein function (PMID: 16199547), and loss-of-function variants in DMD are known to be pathogenic (PMID: 16770791, 25007885). This variant is not present in population databases (gnomAD no frequency). Disruption of this splice site has been observed in individuals with DMD-related dystrophinopathies (PMID: 15952989, 17259292). ClinVar contains an entry for this variant (Variation ID: 1322451). Algorithms developed to predict the effect of sequence changes on RNA splicing suggest that this variant may disrupt the consensus splice site. For these reasons, this variant has been classified as Pathogenic.

Literature cited by the submitters: PubMed 16199547; PubMed 16770791; PubMed 25007885; PubMed 15952989; PubMed 17259292.